The following is an entry in ClinVar:

ClinVar aggregate classification (germline): Uncertain significance. Review status: criteria provided, multiple submitters, no conflicts (2 of 4 stars). 4 submissions from 4 submitters: Uncertain significance (4). Last evaluated 2026-06-25.

Conditions:
USH1G-related disorder. Also called: USH1G-related condition; USH1G-related disorders.

Allele frequency attached by ClinVar (database versions not stated): TOPMed 0.00002.
gnomAD v4.1: 11 of 1,611,390 alleles (0.00068%); highest among the groups gnomAD compares: Admixed American, 0.0017%; no homozygotes.

Submissions (4):

PreventionGenetics, part of Exact Sciences
Classification: Uncertain significance for USH1G-related condition. Last evaluated: 2026-06-25. Review status: criteria provided, single submitter. Criteria: ACMG Guidelines, 2015. Collection method: clinical testing. Allele origin: germline.
Comment: The USH1G c.809C>A variant is predicted to result in the amino acid substitution p.Ala270Asp. To our knowledge, this variant has not been reported in the literature. This variant is reported in 0.0029% of alleles in individuals of Latino descent in gnomAD. At this time, the clinical significance of this variant is uncertain due to the absence of conclusive functional and genetic evidence.

GeneDx
Classification: Uncertain significance. Last evaluated: 2026-03-05. Review status: criteria provided, single submitter. Criteria: GeneDx Variant Classification Process June 2021. Collection method: clinical testing. Allele origin: germline.
Comment: Not observed at significant frequency in large population cohorts (gnomAD); In silico analysis suggests that this missense variant does not alter protein structure/function; Has not been previously published as pathogenic or benign to our knowledge

Labcorp Genetics (formerly Invitae), Labcorp
Classification: Uncertain significance. Last evaluated: 2022-07-18. Review status: criteria provided, single submitter. Criteria: Invitae Variant Classification Sherloc (09022015). Collection method: clinical testing. Allele origin: germline.
Comment: This sequence change replaces alanine with aspartic acid at codon 270 of the USH1G protein (p.Ala270Asp). The alanine residue is weakly conserved and there is a moderate physicochemical difference between alanine and aspartic acid. This variant is present in population databases (rs755287596, gnomAD 0.003%). This variant has not been reported in the literature in individuals affected with USH1G-related conditions. ClinVar contains an entry for this variant (Variation ID: 229610). Algorithms developed to predict the effect of missense changes on protein structure and function are either unavailable or do not agree on the potential impact of this missense change (SIFT: "Not Available"; PolyPhen-2: "Benign"; Align-GVGD: "Not Available"). In summary, the available evidence is currently insufficient to determine the role of this variant in disease. Therefore, it has been classified as a Variant of Uncertain Significance.

Laboratory for Molecular Medicine, Mass General Brigham Personalized Medicine
Classification: Uncertain significance. Last evaluated: 2015-12-21. Review status: criteria provided, single submitter. Criteria: LMM Criteria. Collection method: clinical testing. Allele origin: germline. Observed: 1 variant allele.
Comment: The p.Ala270Asp variant in USH1G has not been previously reported in patients wi th hearing loss or Usher syndrome but has been identified in 1/64350 of European chromosomes by the Exome Aggregation Consortium (ExAC; dbSNP rs755287596). This frequency is not high enough to rule out a path ogenic role. Computational prediction tools and conservation analysis do not pro vide strong support for or against an impact the protein. In summary, the clinic al significance of the p.Ala270Asp variant is uncertain.

NM_173477.5(USH1G):c.809C>A (p.Ala270Asp)

Gene: USH1G (USH1 protein network component sans; minus strand). Cytogenetic location: 17q25.1.
Variant type: single nucleotide variant.
Coding change: c.809C>A on transcript NM_173477.5 (MANE Select); coding-DNA position 809, C replaced by A.
Protein change: p.Ala270Asp; replaces alanine 270 with aspartic acid.
Molecular consequence: missense variant.
Genome position (GRCh38, 1-based): chr17:74,920,027, G>T on the plus strand (C>A on the coding strand, the complement: USH1G is on the minus strand). VCF-style: chr17-74920027-G-T. GRCh37 (hg19) VCF-style: chr17-72916122-G-T.
Other names: c.500C>A, p.Ala167Asp (NM_001282489.3); c.809C>A (NM_173477.4); short protein forms A270D, A167D.
Identifiers: ClinVar variation 229610 (VCV000229610.13), dbSNP rs755287596, ClinGen allele CA8753997.